The following is an entry in ClinVar:

ClinVar aggregate classification (germline): Uncertain significance (1 of 4 stars; one submission).

Conditions:
Telangiectasia, hereditary hemorrhagic, type 2 (HHT2). Also called: ACVRL1-Related Hereditary Hemorrhagic Telangiectasia; Telangiectasia, hereditary hemorrhagic, type II. Identifiers: Orphanet 774, MedGen C1838163, MONDO:0010880, OMIM 600376. Disease mechanism: loss of function.

Allele frequency attached by ClinVar (database versions not stated): gnomAD exomes 0.00001.
gnomAD v4.1: 8 of 1,612,210 alleles (0.0005%); highest among the groups gnomAD compares: Non-Finnish European, 0.00068%; no homozygotes.

Submission:

Labcorp Genetics (formerly Invitae), Labcorp
Classification: Uncertain significance for Telangiectasia, hereditary hemorrhagic, type 2. Last evaluated: 2021-12-25. Review status: criteria provided, single submitter. Criteria: Invitae Variant Classification Sherloc (09022015). Collection method: clinical testing. Allele origin: germline.
Comment: In summary, the available evidence is currently insufficient to determine the role of this variant in disease. Therefore, it has been classified as a Variant of Uncertain Significance. Advanced modeling of protein sequence and biophysical properties (such as structural, functional, and spatial information, amino acid conservation, physicochemical variation, residue mobility, and thermodynamic stability) performed at Invitae indicates that this missense variant is expected to disrupt ACVRL1 protein function. This variant has not been reported in the literature in individuals affected with ACVRL1-related conditions. This variant is not present in population databases (gnomAD no frequency). This sequence change replaces glutamic acid, which is acidic and polar, with glycine, which is neutral and non-polar, at codon 159 of the ACVRL1 protein (p.Glu159Gly).

NM_000020.3(ACVRL1):c.476A>G (p.Glu159Gly)

Gene: ACVRL1 (activin A receptor like type 1; plus strand). Cytogenetic location: 12q13.13.
Variant type: single nucleotide variant.
Coding change: c.476A>G on transcript NM_000020.3 (MANE Select); coding-DNA position 476, A replaced by G.
Protein change: p.Glu159Gly; replaces glutamic acid 159 with glycine.
Molecular consequence: missense variant.
Genome position (GRCh38, 1-based): chr12:51,913,721, A>G. VCF-style: chr12-51913721-A-G. GRCh37 (hg19) VCF-style: chr12-52307505-A-G.
Other names: c.476A>G, p.Glu159Gly (NM_001077401.2, NM_001406487.1, NM_001406488.1 and 1 more transcripts); short protein forms E159G.
Identifiers: ClinVar variation 2037700 (VCV002037700.4), dbSNP rs537306079, ClinGen allele CA236362541.